The following is an entry in ClinVar:

NM_000277.3(PAH):c.843-1G>A

Genes: PAH (phenylalanine hydroxylase; minus strand), LOC126861615 (CDK7 strongly-dependent group 2 enhancer GRCh37_chr12:103244689-103245888; plus strand). Cytogenetic location: 12q23.2.
Variant type: single nucleotide variant.
Coding change: c.843-1G>A on transcript NM_000277.3 (MANE Select); the canonical splice acceptor site of the intron before coding-DNA position 843, G replaced by A.
Molecular consequence: splice acceptor variant.
Genome position (GRCh38, 1-based): chr12:102,851,757, C>T on the plus strand (G>A on the coding strand, the complement: PAH is on the minus strand). VCF-style: chr12-102851757-C-T. GRCh37 (hg19) VCF-style: chr12-103245535-C-T.
Other names: c.843-1G>A (NM_001354304.2).
Identifiers: ClinVar variation 1065376 (VCV001065376.1), dbSNP rs1373264140, ClinGen allele CA386294521.

ClinVar aggregate classification (germline): Pathogenic (3 of 4 stars; one submission).

Conditions:
Phenylketonuria (PKU). Also called: Phenylketonurias; Phenylketonuria (PKU); OLIGOPHRENIA PHENYLPYRUVICA; FOLLING DISEASE. Identifiers: Orphanet 716, MedGen C0031485, MONDO:0009861, OMIM 261600. Disease mechanism: loss of function.

Allele frequency attached by ClinVar (database versions not stated): gnomAD exomes below 0.00001.
gnomAD v4.1: 1 of 1,613,788 alleles (0.000062%); highest among the groups gnomAD compares: Non-Finnish European, 0.000085%; no homozygotes.

Submission:

ClinGen PAH Variant Curation Expert Panel
Classification: Pathogenic for Phenylketonuria. Last evaluated: 2020-12-07. Review status: reviewed by expert panel. Criteria: ClinGen PAH ACMG Specifications v1. Collection method: curation. Allele origin: germline. Inheritance: Autosomal recessive inheritance.
Comment: This c.843-1G>A variant in PAH was reported in trans with pathogenic variants p.S70del and p.Arg243Gln in 2 Han Chinese patients with PAH deficiency (PMID: 28982351). This variant is present in European (non-Finnish) populations at an extremely low frequency in gnomAD (MAF=0.000008827). This variant in the -1 splice acceptor site of intron 7 disrupts the reading frame and is predicted to undergo nonsense mediated decay (NMD). The exon is present in biologically-relevant transcripts. In summary, this variant meets criteria to be classified as pathogenic for PAH. PAH-specific ACMG/AMP criteria applied: PVS1, PM3 strong, PM2, PP4